The following is an entry in ClinVar:

ClinVar aggregate classification (germline): Uncertain significance (1 of 4 stars; one submission).

Submission:

Women's Health and Genetics/Laboratory Corporation of America, LabCorp
Classification: Uncertain significance. Last evaluated: 2025-03-28. Review status: criteria provided, single submitter. Criteria: LabCorp Variant Classification Summary - May 2015. Collection method: clinical testing. Allele origin: germline.
Comment: Variant summary: ARID1B c.5068A>G (p.Met1690Val) results in a conservative amino acid change in the encoded protein sequence. Three of four in-silico tools predict a benign effect of the variant on protein function. The variant was absent in 251388 control chromosomes. The available data on variant occurrences in the general population are insufficient to allow any conclusion about variant significance. To our knowledge, no occurrence of c.5068A>G in individuals affected with Coffin-Siris Syndrome 1 and no experimental evidence demonstrating its impact on protein function have been reported. No submitters have cited clinical-significance assessments for this variant to ClinVar. Based on the evidence outlined above, the variant was classified as uncertain significance.

NM_001374828.1(ARID1B):c.5068A>G (p.Met1690Val)

Gene: ARID1B (AT-rich interaction domain 1B; plus strand). Cytogenetic location: 6q25.3.
Variant type: single nucleotide variant.
Coding change: c.5068A>G on transcript NM_001374828.1 (MANE Select); coding-DNA position 5068, A replaced by G.
Protein change: p.Met1690Val; replaces methionine 1690 with valine.
Molecular consequence: missense variant.
Genome position (GRCh38, 1-based): chr6:157,201,293, A>G. VCF-style: chr6-157201293-A-G. GRCh37 (hg19) VCF-style: chr6-157522427-A-G.
Other names: c.2569A>G, p.Met857Val (NM_001363725.2); c.4948A>G, p.Met1650Val (NM_001371656.1, NM_001374820.1); c.4909A>G, p.Met1637Val (NM_017519.3); short protein forms M1637V, M1650V, M1690V, M857V.
Identifiers: ClinVar variation 3895715 (VCV003895715.1).